The following is an entry in ClinVar:

NM_006060.6(IKZF1):c.589+3_589+6del

Gene: IKZF1 (IKAROS family zinc finger 1; plus strand). Cytogenetic location: 7p12.2.
Variant type: Deletion.
Coding change: c.589+3_589+6del on transcript NM_006060.6 (MANE Select); bases 3 to 6 of the intron after coding-DNA position 589, 4 bases deleted (AGGT; older notation c.589+3_589+6delAGGT).
Molecular consequence: splice donor variant. On other transcripts: intron variant (6).
Genome position (GRCh38, 1-based): chr7:50,382,710-50,382,713, AGGT deleted; deleting any 4 consecutive bases within chr7:50,382,707-50,382,713 gives the same sequence; the c. name uses the placement nearest the transcript's 3' end. VCF-style (leftmost placement, unchanged base first): chr7-50382706-CGGTA-C. GRCh37 (hg19) VCF-style: chr7-50450404-CGGTA-C.
Other names: c.649+3_649+6del (NM_001410879.1); c.328+3_328+6del (NM_001291839.2, NM_001291838.2, NM_001220767.2 and 1 more transcripts); c.589+3_589+6del (NM_001220765.3, NM_001291837.2, NM_001220768.2); c.421+5917_421+5920del (NM_001220771.2); c.161-4635_161-4632del (NM_001291841.1, NM_001291842.1); c.161-9019_161-9016del (NM_001291843.1, NM_001291844.1); c.161-17208_161-17205del (NM_001291840.1).
Identifiers: ClinVar variation 3664567 (VCV003664567.2).

ClinVar aggregate classification (germline): Uncertain significance (1 of 4 stars; one submission).

Submission:

Labcorp Genetics (formerly Invitae), Labcorp
Classification: Uncertain significance. Last evaluated: 2024-09-04. Review status: criteria provided, single submitter. Criteria: Invitae Variant Classification Sherloc (09022015). Collection method: clinical testing. Allele origin: germline.
Comment: This sequence change falls in intron 5 of the IKZF1 gene. It does not directly change the encoded amino acid sequence of the IKZF1 protein. It affects a nucleotide within the consensus splice site. This variant is not present in population databases (gnomAD no frequency). This variant has not been reported in the literature in individuals affected with IKZF1-related conditions. Variants that disrupt the consensus splice site are a relatively common cause of aberrant splicing (PMID: 17576681, 9536098). Algorithms developed to predict the effect of sequence changes on RNA splicing suggest that this variant may disrupt the consensus splice site. In summary, the available evidence is currently insufficient to determine the role of this variant in disease. Therefore, it has been classified as a Variant of Uncertain Significance.

Literature cited by the submitters: PubMed 17576681; PubMed 9536098.